The following is an entry in ClinVar:

NM_000352.6(ABCC8):c.1177-56G>A

Gene: ABCC8 (ATP binding cassette subfamily C member 8; minus strand). Cytogenetic location: 11p15.1.
Variant type: single nucleotide variant.
Coding change: c.1177-56G>A on transcript NM_000352.6 (MANE Select); 56 bases into the intron before coding-DNA position 1177, G replaced by A.
Molecular consequence: intron variant.
Genome position (GRCh38, 1-based): chr11:17,448,727, C>T on the plus strand (G>A on the coding strand, the complement: ABCC8 is on the minus strand). VCF-style: chr11-17448727-C-T. GRCh37 (hg19) VCF-style: chr11-17470274-C-T.
Other names: c.1174-56G>A (NM_001351297.2, NM_001351296.2); c.1177-56G>A (NM_001351295.2, NM_001287174.3, NM_000352.4).
Identifiers: ClinVar variation 446763 (VCV000446763.14), dbSNP rs183921963, ClinGen allele CA218447536.

ClinVar aggregate classification (germline): Conflicting classifications of pathogenicity. Review status: criteria provided, conflicting classifications (1 of 4 stars). 6 submissions from 5 submitters: Uncertain significance (3); Likely benign (2). 1 of the submissions does not count toward it. Last evaluated 2026-01-21.

Conditions:
Transitory neonatal diabetes mellitus. Also called: Transient neonatal diabetes mellitus. Identifiers: MedGen C0342273, MONDO:0020525, HP:0008255.
Maturity-onset diabetes of the young (MODY). Also called: Maturity onset diabetes mellitus in young. Identifiers: Orphanet 552, MedGen C0342276, MONDO:0018911, HP:0004904.
ABCC8-related disorder.

Allele frequency attached by ClinVar (database versions not stated): gnomAD 0.00121 and 0.00123; TOPMed 0.00127; gnomAD exomes 0.00139; 1000 Genomes Project 0.00160; 1000 Genomes Project 30x 0.00172.
gnomAD v4.1: 2,223 of 1,613,122 alleles (0.14%); highest among the groups gnomAD compares: Middle Eastern, 1.2%; 6 homozygotes.

Submissions (6):

Labcorp Genetics (formerly Invitae), Labcorp
Classification: Likely benign. Last evaluated: 2026-01-21. Review status: criteria provided, single submitter. Criteria: Invitae Variant Classification Sherloc (09022015). Collection method: clinical testing. Allele origin: germline.

Blueprint Genetics
Classification: Likely benign. Last evaluated: 2024-11-27. Review status: criteria provided, single submitter. Criteria: ACMG Guidelines, 2015. Collection method: clinical testing. Allele origin: germline.

Athena Diagnostics
Classification: Uncertain significance. Last evaluated: 2017-06-12. Review status: criteria provided, single submitter. Criteria: Athena Diagnostics Criteria. Collection method: clinical testing. Allele origin: germline.

Clinical Genomics, Uppaluri K&H Personalized Medicine Clinic
Classification: Uncertain significance for Transitory neonatal diabetes mellitus. Review status: criteria provided, single submitter. Criteria: K & H Uppaluri Personalized Medicine Clinic Variant Classification & Assertion Criteria_Updated V.1. Collection method: research. Allele origin: unknown. Inheritance: Somatic mutation.
Comment: Mutations in ABCC8 gene are associated with both neonatal diabetes mellitus as well as MODY. Patients with this mutation may have a better response to sulfonylureas. However, no sufficient evidence is found to ascertain the role of this particular variant ( rs183921963) in neonatal diabetes yet.

Clinical Genomics, Uppaluri K&H Personalized Medicine Clinic
Classification: Uncertain significance for Maturity-onset diabetes of the young. Review status: criteria provided, single submitter. Criteria: K & H Uppaluri Personalized Medicine Clinic Variant Classification & Assertion Criteria_Updated V.1. Collection method: research. Allele origin: unknown. Inheritance: Autosomal dominant inheritance.
Comment: Mutations in ABCC8 gene are associated with both neonatal diabetes mellitus as well as MODY. Patients with this mutation may have a better response to sulfonylureas. However, no sufficient evidence is found to ascertain the role of this particular variant ( rs183921963) in MODY yet.

PreventionGenetics, part of Exact Sciences
Classification: Likely benign for ABCC8-related condition. Last evaluated: 2023-02-01. Review status: no assertion criteria provided. Collection method: clinical testing. Allele origin: germline. Not counted in ClinVar's aggregate classification.
Comment: This variant is classified as likely benign based on ACMG/AMP sequence variant interpretation guidelines (Richards et al. 2015 PMID: 25741868, with internal and published modifications).

Literature cited by the submitters: PubMed 16885549 (cited by Clinical Genomics, Uppaluri K&H Personalized Medicine Clinic); PubMed 21989597 (cited by Clinical Genomics, Uppaluri K&H Personalized Medicine Clinic); PubMed 27538677 (cited by Clinical Genomics, Uppaluri K&H Personalized Medicine Clinic); PubMed 18981553 (cited by Clinical Genomics, Uppaluri K&H Personalized Medicine Clinic); PubMed 32027066 (cited by Clinical Genomics, Uppaluri K&H Personalized Medicine Clinic); PubMed 16613899 (cited by Clinical Genomics, Uppaluri K&H Personalized Medicine Clinic); PubMed 18025408 (cited by Clinical Genomics, Uppaluri K&H Personalized Medicine Clinic); PubMed 32792356 (cited by Clinical Genomics, Uppaluri K&H Personalized Medicine Clinic).